The following is an entry in ClinVar:

NM_194248.3(OTOF):c.2406+2T>C

Gene: OTOF (otoferlin; minus strand). Cytogenetic location: 2p23.3.
Variant type: single nucleotide variant.
Coding change: c.2406+2T>C on transcript NM_194248.3 (MANE Select); the canonical splice donor site of the intron after coding-DNA position 2406, T replaced by C.
Molecular consequence: splice donor variant.
Genome position (GRCh38, 1-based): chr2:26,477,414, A>G on the plus strand (T>C on the coding strand, the complement: OTOF is on the minus strand). VCF-style: chr2-26477414-A-G. GRCh37 (hg19) VCF-style: chr2-26700282-A-G.
Other names: c.2406+2T>C (NM_001287489.2); c.165+2T>C (NM_194323.3, NM_004802.4); c.336+2T>C (NM_194322.3).
Identifiers: ClinVar variation 2993116 (VCV002993116.3), dbSNP rs2465595172, ClinGen allele CA346122916.

ClinVar aggregate classification (germline): Likely pathogenic (1 of 4 stars; one submission).

gnomAD v4.1: 2 of 1,582,974 alleles (0.00013%); highest among the groups gnomAD compares: Non-Finnish European, 0.00017%; no homozygotes.

Submission:

Labcorp Genetics (formerly Invitae), Labcorp
Classification: Likely pathogenic. Last evaluated: 2023-12-23. Review status: criteria provided, single submitter. Criteria: Invitae Variant Classification Sherloc (09022015). Collection method: clinical testing. Allele origin: germline.
Comment: This sequence change affects a donor splice site in intron 20 of the OTOF gene. It is expected to disrupt RNA splicing. Variants that disrupt the donor or acceptor splice site typically lead to a loss of protein function (PMID: 16199547), and loss-of-function variants in OTOF are known to be pathogenic (PMID: 18381613, 19250381, 22575033). This variant is not present in population databases (gnomAD no frequency). This variant has not been reported in the literature in individuals affected with OTOF-related conditions. Algorithms developed to predict the effect of sequence changes on RNA splicing suggest that this variant may disrupt the consensus splice site. In summary, the currently available evidence indicates that the variant is pathogenic, but additional data are needed to prove that conclusively. Therefore, this variant has been classified as Likely Pathogenic.

Literature cited by the submitters: PubMed 16199547; PubMed 18381613; PubMed 19250381; PubMed 22575033.